The following is an entry in ClinVar:

ClinVar aggregate classification (germline): Uncertain significance. Review status: criteria provided, multiple submitters, no conflicts (2 of 4 stars). 2 submissions from 2 submitters: Uncertain significance (2). Last evaluated 2025-09-10.

Conditions:
Pityriasis rubra pilaris (PRP). Also called: Pityriasis rubra pilaris--familial type. Identifiers: Orphanet 2897, MedGen C0032027, MONDO:0100017, OMIM 173200, MONDO:0008251.
Psoriasis 2. Identifiers: MedGen C1864497, MONDO:0011269, OMIM 602723.

Allele frequency attached by ClinVar (database versions not stated): gnomAD exomes below 0.00001; ExAC 0.00001; gnomAD 0.00001; TOPMed 0.00001; 1000 Genomes Project 30x 0.00016; 1000 Genomes Project 0.00020.
gnomAD v4.1: 6 of 1,600,640 alleles (0.00037%); highest among the groups gnomAD compares: African/African-American, 0.0067%; no homozygotes.

Submissions (2):

Genomic Medicine Center of Excellence, King Faisal Specialist Hospital and Research Centre
Classification: Uncertain significance for Psoriasis 2. Last evaluated: 2025-09-10. Review status: criteria provided, single submitter. Criteria: ACMG Guidelines, 2015. Collection method: clinical testing. Allele origin: germline.

Labcorp Genetics (formerly Invitae), Labcorp
Classification: Uncertain significance for Pityriasis rubra pilaris; Psoriasis 2. Last evaluated: 2025-06-10. Review status: criteria provided, single submitter. Criteria: Invitae Variant Classification Sherloc (09022015). Collection method: clinical testing. Allele origin: germline.
Comment: This sequence change affects an acceptor splice site in intron 9 of the CARD14 gene. It is expected to disrupt RNA splicing. Variants that disrupt the donor or acceptor splice site typically lead to a loss of protein function (PMID: 16199547), however the current clinical and genetic evidence is not sufficient to establish whether loss-of-function variants in CARD14 cause disease. This variant is present in population databases (rs112639680, gnomAD 0.007%). This variant has not been reported in the literature in individuals affected with CARD14-related conditions. ClinVar contains an entry for this variant (Variation ID: 1036534). Algorithms developed to predict the effect of sequence changes on RNA splicing suggest that this variant may disrupt the consensus splice site. In summary, the available evidence is currently insufficient to determine the role of this variant in disease. Therefore, it has been classified as a Variant of Uncertain Significance.

Literature cited by the submitters: PubMed 16199547 (cited by Labcorp Genetics (formerly Invitae), Labcorp).

NM_001366385.1(CARD14):c.1357-1G>A

Gene: CARD14 (caspase recruitment domain family member 14; plus strand). Cytogenetic location: 17q25.3.
Variant type: single nucleotide variant.
Coding change: c.1357-1G>A on transcript NM_001366385.1 (MANE Select); the canonical splice acceptor site of the intron before coding-DNA position 1357, G replaced by A.
Molecular consequence: splice acceptor variant.
Genome position (GRCh38, 1-based): chr17:80,195,190, G>A. VCF-style: chr17-80195190-G-A. GRCh37 (hg19) VCF-style: chr17-78168989-G-A.
Other names: c.1357-1G>A (NM_024110.4, NM_001257970.1); c.646-1G>A (NM_052819.3).
Identifiers: ClinVar variation 1036534 (VCV001036534.8), dbSNP rs112639680, ClinGen allele CA8816799.
Genomic context (GRCh38, chr17:80,195,190, plus strand): 5'-AGGGAGGAGTCTCAGGGTGTCCTCGTGCGTGCCCCACTGACTTCTGCCCTCCCTCCTCCA[G>A]TCTCAGCTCTTGTCGGACCTGAGTGCCACGTCCAGCCGCGAGCTGGTGGACAGCTTCCGC-3'